The following is an entry in ClinVar:

NM_001081.4(CUBN):c.3088C>A (p.Leu1030Ile)

Gene: CUBN (cubilin; minus strand). Cytogenetic location: 10p13.
Variant type: single nucleotide variant.
Coding change: c.3088C>A on transcript NM_001081.4 (MANE Select); coding-DNA position 3088, C replaced by A.
Protein change: p.Leu1030Ile; replaces leucine 1030 with isoleucine.
Molecular consequence: missense variant.
Genome position (GRCh38, 1-based): chr10:17,065,559, G>T on the plus strand (C>A on the coding strand, the complement: CUBN is on the minus strand). VCF-style: chr10-17065559-G-T. GRCh37 (hg19) VCF-style: chr10-17107558-G-T.
Other names: short protein forms L1030I.
Identifiers: ClinVar variation 1699458 (VCV001699458.10), dbSNP rs746111876, ClinGen allele CA5424766.

ClinVar aggregate classification (germline): Uncertain significance. Review status: criteria provided, multiple submitters, no conflicts (2 of 4 stars). 3 submissions from 3 submitters: Uncertain significance (3). Last evaluated 2023-04-18.

Conditions:
Proteinuria, chronic benign. Identifiers: MedGen C5394384, MONDO:0030042, OMIM 618884.
Imerslund-Grasbeck syndrome. Also called: ENTEROCYTE COBALAMIN MALABSORPTION; ENTEROCYTE INTRINSIC FACTOR RECEPTOR, DEFECT OF; Imerslund-Gräsbeck syndrome; PERNICIOUS ANEMIA, JUVENILE, DUE TO SELECTIVE INTESTINAL MALABSORPTION OF VITAMIN B12, WITH PROTEINURIA; Megaloblastic anemia due to inborn errors of metabolism. Identifiers: Orphanet 35858, MedGen C4551825, MONDO:0009853.
Inborn genetic diseases. Identifiers: MedGen C0950123, MeSH D030342.

Allele frequency attached by ClinVar (database versions not stated): gnomAD exomes 0.00001 and 0.00004; TOPMed 0.00001; ExAC 0.00002; gnomAD 0.00002 and 0.00003.
gnomAD v4.1: 15 of 1,613,512 alleles (0.00093%); highest among the groups gnomAD compares: East Asian, 0.029%; no homozygotes.

Submissions (3):

Ambry Genetics
Classification: Uncertain significance for Inborn genetic diseases. Last evaluated: 2023-04-18. Review status: criteria provided, single submitter. Criteria: Ambry Variant Classification Scheme 2023. Collection method: clinical testing. Allele origin: germline.

Labcorp Genetics (formerly Invitae), Labcorp
Classification: Uncertain significance for Imerslund-Grasbeck syndrome. Last evaluated: 2022-02-18. Review status: criteria provided, single submitter. Criteria: Invitae Variant Classification Sherloc (09022015). Collection method: clinical testing. Allele origin: germline.
Comment: Algorithms developed to predict the effect of missense changes on protein structure and function output the following: SIFT: "Tolerated"; PolyPhen-2: "Benign"; Align-GVGD: "Class C0". The isoleucine amino acid residue is found in multiple mammalian species, which suggests that this missense change does not adversely affect protein function. In summary, the available evidence is currently insufficient to determine the role of this variant in disease. Therefore, it has been classified as a Variant of Uncertain Significance. This variant has not been reported in the literature in individuals affected with CUBN-related conditions. This variant is present in population databases (rs746111876, gnomAD 0.05%). This sequence change replaces leucine, which is neutral and non-polar, with isoleucine, which is neutral and non-polar, at codon 1030 of the CUBN protein (p.Leu1030Ile).

Victorian Clinical Genetics Services, Murdoch Childrens Research Institute
Classification: Uncertain significance for Proteinuria, chronic benign. Last evaluated: 2022-02-02. Review status: criteria provided, single submitter. Criteria: ACMG Guidelines, 2015. Collection method: clinical testing. Allele origin: germline. Inheritance: Autosomal recessive inheritance.
Comment: Based on the classification scheme VCGS_Germline_v1.3.4, this variant is classified as VUS-3C. Following criteria are met: 0102 - Loss of function is a known mechanism of disease in this gene and is associated with chronic benign proteinuria (MIM#618884). (I) 0106 - This gene is associated with autosomal recessive disease. (I) 0200 - Variant is predicted to result in a missense amino acid change from leucine to isoleucine. (I) 0251 - This variant is heterozygous. (I) 0304 - Variant is present in gnomAD (v2) <0.01 for a recessive condition (10 heterozygotes, 0 homozygotes). (SP) 0503 - Missense variant consistently predicted to be tolerated by multiple in silico tools, and not conserved in placental mammals with a minor amino acid change. (SB) 0600 - Variant is located in the annotated CUB 5 domain and is a calcium binding residue (UniProt). (I) 0705 - No comparable missense variants have previous evidence for pathogenicity. (I) 0807 - This variant has no previous evidence of pathogenicity. (I) 0905 - No published segregation evidence has been identified for this variant. (I) 1007 - No published functional evidence has been identified for this variant. (I) 1208 - Inheritance information for this variant is not currently available in this individual. (I) Legend: (SP) - Supporting pathogenic, (I) - Information, (SB) - Supporting benign